The following is an entry in ClinVar:

ClinVar aggregate classification (germline): Uncertain significance. Review status: criteria provided, multiple submitters, no conflicts (2 of 4 stars). 2 submissions from 2 submitters: Uncertain significance (2). Last evaluated 2025-04-17.

Allele frequency attached by ClinVar (database versions not stated): gnomAD exomes 0.00002.
gnomAD v4.1: 30 of 1,606,290 alleles (0.0019%); highest among the groups gnomAD compares: Middle Eastern, 0.017%; no homozygotes.

Submissions (2):

Labcorp Genetics (formerly Invitae), Labcorp
Classification: Uncertain significance. Last evaluated: 2025-04-17. Review status: criteria provided, single submitter. Criteria: Invitae Variant Classification Sherloc (09022015). Collection method: clinical testing. Allele origin: germline.
Comment: This sequence change replaces glutamine, which is neutral and polar, with lysine, which is basic and polar, at codon 22 of the CYP51A1 protein (p.Gln22Lys). This variant is not present in population databases (gnomAD no frequency). This variant has not been reported in the literature in individuals affected with CYP51A1-related conditions. ClinVar contains an entry for this variant (Variation ID: 2607153). Experimental studies and prediction algorithms are not available or were not evaluated, and the functional significance of this variant is currently unknown. In summary, the available evidence is currently insufficient to determine the role of this variant in disease. Therefore, it has been classified as a Variant of Uncertain Significance.

Ambry Genetics
Classification: Uncertain significance. Last evaluated: 2023-06-30. Review status: criteria provided, single submitter. Criteria: Ambry Variant Classification Scheme 2023. Collection method: clinical testing. Allele origin: germline.

NM_000786.4(CYP51A1):c.64C>A (p.Gln22Lys)

Gene: CYP51A1 (cytochrome P450 family 51 subfamily A member 1; minus strand). Cytogenetic location: 7q21.2.
Variant type: single nucleotide variant.
Coding change: c.64C>A on transcript NM_000786.4 (MANE Select); coding-DNA position 64, C replaced by A.
Protein change: p.Gln22Lys; replaces glutamine 22 with lysine.
Molecular consequence: missense variant. On other transcripts: intron variant (1).
Genome position (GRCh38, 1-based): chr7:92,134,301, G>T on the plus strand (C>A on the coding strand, the complement: CYP51A1 is on the minus strand). VCF-style: chr7-92134301-G-T. GRCh37 (hg19) VCF-style: chr7-91763615-G-T.
Other names: c.-124+365C>A (NM_001146152.2); short protein forms Q22K.
Identifiers: ClinVar variation 2607153 (VCV002607153.3), dbSNP rs1819996040, ClinGen allele CA368183062.